The following is an entry in ClinVar:

NM_000512.5(GALNS):c.*701C>G

Gene: GALNS (galactosamine (N-acetyl)-6-sulfatase; minus strand). Cytogenetic location: 16q24.3.
Variant type: single nucleotide variant.
Coding change: c.*701C>G on transcript NM_000512.5 (MANE Select); 701 bases downstream of the stop codon, C replaced by G.
Molecular consequence: 3 prime UTR variant.
Genome position (GRCh38, 1-based): chr16:88,813,738, G>C on the plus strand (C>G on the coding strand, the complement: GALNS is on the minus strand). VCF-style: chr16-88813738-G-C. GRCh37 (hg19) VCF-style: chr16-88880146-G-C.
Other names: c.*701C>G (NM_001323543.2, NM_001323544.2).
Identifiers: ClinVar variation 321168 (VCV000321168.7), dbSNP rs77936719, ClinGen allele CA10649271.
Genomic context (GRCh38, chr16:88,813,738, plus strand): 5'-AGGTGTGAAAGGAAAATAAATCTCCGGACCCCAAAATCACTCAGCCAAGAGAAAAATCAA[G>C]CTGGGAATTAGGCAAACCTGCCTCCCGTTTTATTTCTAAATAACATAGTTACAATGATAA-3'

ClinVar aggregate classification (germline): Benign. Review status: criteria provided, multiple submitters, no conflicts (2 of 4 stars). 2 submissions from 2 submitters: Benign (2). Last evaluated 2018-01-12.

Conditions:
Mucopolysaccharidosis, MPS-IV-A (MPS4A). Also called: Mucopolysaccharidosis type IV A; Mucopolysaccharidosis Type IVA; Morquio syndrome A, mild; MORQUIO SYNDROME A; MPS IVA; mucopolysaccharidosis type 4A. Identifiers: Orphanet 309297, Orphanet 582, MedGen C0086651, MONDO:0009659, OMIM 253000.

Allele frequency attached by ClinVar (database versions not stated): gnomAD exomes 0.15132; gnomAD 0.21621 and 0.22037; TOPMed 0.22149; 1000 Genomes Project 30x 0.25375; 1000 Genomes Project 0.26118.
gnomAD v4.1: 33,892 of 152,528 alleles (22%); highest among the groups gnomAD compares: East Asian, 53%; 4,424 homozygotes.

Submissions (2):

Illumina Laboratory Services, Illumina
Classification: Benign for Mucopolysaccharidosis, MPS-IV-A. Last evaluated: 2018-01-12. Review status: criteria provided, single submitter. Criteria: ICSL Variant Classification Criteria 13 December 2019. Collection method: clinical testing. Allele origin: germline.
Comment: This variant was observed in the ICSL laboratory as part of a predisposition screen in an ostensibly healthy population. It had not been previously curated by ICSL or reported in the Human Gene Mutation Database (HGMD: prior to June 1st, 2018), and was therefore a candidate for classification through an automated scoring system. Utilizing variant allele frequency, disease prevalence and penetrance estimates, and inheritance mode, an automated score was calculated to assess if this variant is too frequent to cause the disease. Based on the score and internal cut-off values, a variant classified as benign is not then subjected to further curation. The score for this variant resulted in a classification of benign for this disease.

Breakthrough Genomics
Classification: Benign. Review status: criteria provided, single submitter. Criteria: ACMG Guidelines, 2015. Collection method: not provided. Allele origin: germline. Inheritance: Autosomal recessive inheritance. Affected: yes.